The following is an entry in ClinVar:

NM_012309.5(SHANK2):c.3091A>T (p.Ile1031Phe)

Gene: SHANK2 (SH3 and multiple ankyrin repeat domains 2; minus strand). Cytogenetic location: 11q13.3.
Variant type: single nucleotide variant.
Coding change: c.3091A>T on transcript NM_012309.5 (MANE Select); coding-DNA position 3091, A replaced by T.
Protein change: p.Ile1031Phe; replaces isoleucine 1031 with phenylalanine.
Molecular consequence: missense variant.
Genome position (GRCh38, 1-based): chr11:70,487,202, T>A on the plus strand (A>T on the coding strand, the complement: SHANK2 is on the minus strand). VCF-style: chr11-70487202-T-A. GRCh37 (hg19) VCF-style: chr11-70333307-T-A.
Other names: c.1954A>T, p.Ile652Phe (NM_001379226.1); c.1327A>T, p.Ile443Phe (NM_133266.5); short protein forms I1031F, I443F, I652F.
Identifiers: ClinVar variation 2642082 (VCV002642082.24), dbSNP rs2495511512, ClinGen allele CA381687683.

ClinVar aggregate classification (germline): Uncertain significance (1 of 4 stars; one submission).

Submission:

CeGaT Center for Human Genetics Tuebingen
Classification: Uncertain significance. Last evaluated: 2023-01-01. Review status: criteria provided, single submitter. Criteria: CeGaT Center For Human Genetics Tuebingen Variant Classification Criteria Version 2. Collection method: clinical testing. Allele origin: germline. Affected: yes. Observed: 1 variant allele.
Comment: SHANK2: PM2